The following is an entry in ClinVar:

ClinVar aggregate classification (germline): Uncertain significance. Review status: criteria provided, multiple submitters, no conflicts (2 of 4 stars). 3 submissions from 3 submitters: Uncertain significance (3). Last evaluated 2025-11-17.

Conditions:
Hereditary cancer-predisposing syndrome. Also called: Neoplastic Syndromes, Hereditary; Hereditary Cancer Syndrome; Hereditary neoplastic syndrome; Tumor predisposition. Identifiers: Orphanet 140162, MedGen C0027672, MeSH D009386, MONDO:0015356.
EGFR-related lung cancer (EGFR). Identifiers: MedGen CN130014.

Submissions (3):

Labcorp Genetics (formerly Invitae), Labcorp
Classification: Uncertain significance for EGFR-related lung cancer. Last evaluated: 2025-11-17. Review status: criteria provided, single submitter. Criteria: Invitae Variant Classification Sherloc (09022015). Collection method: clinical testing. Allele origin: germline.
Comment: This sequence change replaces serine, which is neutral and polar, with arginine, which is basic and polar, at codon 1205 of the EGFR protein (p.Ser1205Arg). This variant is not present in population databases (gnomAD no frequency). This variant has not been reported in the literature in individuals affected with EGFR-related conditions. ClinVar contains an entry for this variant (Variation ID: 1299070). An algorithm developed to predict the effect of missense changes on protein structure and function outputs the following: PolyPhen-2: "Benign". The arginine amino acid residue is found in multiple mammalian species, which suggests that this missense change does not adversely affect protein function. In summary, the available evidence is currently insufficient to determine the role of this variant in disease. Therefore, it has been classified as a Variant of Uncertain Significance.

Ambry Genetics
Classification: Uncertain significance for Hereditary cancer-predisposing syndrome. Last evaluated: 2025-05-22. Review status: criteria provided, single submitter. Criteria: Ambry Variant Classification Scheme 2023. Collection method: clinical testing. Allele origin: germline.
Comment: The p.S1205R variant (also known as c.3613A>C), located in coding exon 28 of the EGFR gene, results from an A to C substitution at nucleotide position 3613. The serine at codon 1205 is replaced by arginine, an amino acid with dissimilar properties. This amino acid position is conserved. In addition, this alteration is predicted to be tolerated by in silico analysis. Based on the available evidence, the clinical significance of this variant remains unclear.

CeGaT Center for Human Genetics Tuebingen
Classification: Uncertain significance. Last evaluated: 2021-08-01. Review status: criteria provided, single submitter. Criteria: CeGaT Center For Human Genetics Tuebingen Variant Classification Criteria Version 2. Collection method: clinical testing. Allele origin: germline. Affected: yes. Observed: 1 variant allele.

NM_005228.5(EGFR):c.3613A>C (p.Ser1205Arg)

Gene: EGFR (epidermal growth factor receptor; plus strand). Cytogenetic location: 7p11.2.
Variant type: single nucleotide variant.
Coding change: c.3613A>C on transcript NM_005228.5 (MANE Select); coding-DNA position 3613, A replaced by C.
Protein change: p.Ser1205Arg; replaces serine 1205 with arginine.
Molecular consequence: missense variant.
Genome position (GRCh38, 1-based): chr7:55,205,597, A>C. VCF-style: chr7-55205597-A-C. GRCh37 (hg19) VCF-style: chr7-55273290-A-C.
Other names: c.3478A>C, p.Ser1160Arg (NM_001346899.2); c.3454A>C, p.Ser1152Arg (NM_001346900.2); c.2812A>C, p.Ser938Arg (NM_001346941.2); c.3613A>C (NM_005228.3); short protein forms S1152R, S1160R, S1205R, S938R.
Identifiers: ClinVar variation 1299070 (VCV001299070.40), dbSNP rs2128975677, ClinGen allele CA367585009.